The following is an entry in ClinVar:

NM_014633.5(CTR9):c.614G>T (p.Gly205Val)

Gene: CTR9 (CTR9 component of Paf1/RNA polymerase II complex; plus strand). Cytogenetic location: 11p15.4.
Variant type: single nucleotide variant.
Coding change: c.614G>T on transcript NM_014633.5 (MANE Select); coding-DNA position 614, G replaced by T.
Protein change: p.Gly205Val; replaces glycine 205 with valine.
Molecular consequence: missense variant.
Genome position (GRCh38, 1-based): chr11:10,760,194, G>T. VCF-style: chr11-10760194-G-T. GRCh37 (hg19) VCF-style: chr11-10781741-G-T.
Other names: c.614G>T, p.Gly205Val (NM_001346279.2); short protein forms G205V.
Identifiers: ClinVar variation 1936612 (VCV001936612.5), dbSNP rs2539375637, ClinGen allele CA379662428.

ClinVar aggregate classification (germline): Uncertain significance (1 of 4 stars; one submission).

Submission:

Labcorp Genetics (formerly Invitae), Labcorp
Classification: Uncertain significance. Last evaluated: 2022-04-12. Review status: criteria provided, single submitter. Criteria: Invitae Variant Classification Sherloc (09022015). Collection method: clinical testing. Allele origin: germline.
Comment: In summary, the available evidence is currently insufficient to determine the role of this variant in disease. Therefore, it has been classified as a Variant of Uncertain Significance. Algorithms developed to predict the effect of missense changes on protein structure and function are either unavailable or do not agree on the potential impact of this missense change (SIFT: "Deleterious"; PolyPhen-2: "Possibly Damaging"; Align-GVGD: "Class C0"). This variant has not been reported in the literature in individuals affected with CTR9-related conditions. This variant is not present in population databases (gnomAD no frequency). This sequence change replaces glycine, which is neutral and non-polar, with valine, which is neutral and non-polar, at codon 205 of the CTR9 protein (p.Gly205Val).